The following is an entry in ClinVar:

NM_005562.3(LAMC2):c.*856C>T

Gene: LAMC2 (laminin subunit gamma 2; plus strand). Cytogenetic location: 1q25.3.
Variant type: single nucleotide variant.
Coding change: c.*856C>T on transcript NM_005562.3 (MANE Select); 856 bases downstream of the stop codon, C replaced by T.
Molecular consequence: 3 prime UTR variant.
Genome position (GRCh38, 1-based): chr1:183,244,256, C>T. VCF-style: chr1-183244256-C-T. GRCh37 (hg19) VCF-style: chr1-183213391-C-T.
Identifiers: ClinVar variation 875240 (VCV000875240.4), dbSNP rs116496189, ClinGen allele CA33949615.

ClinVar aggregate classification (germline): Benign (1 of 4 stars; one submission).

Conditions:
Junctional epidermolysis bullosa. Identifiers: Orphanet 305, MedGen C0079301, MONDO:0017612.

Allele frequency attached by ClinVar (database versions not stated): gnomAD 0.00463 and 0.00479; TOPMed 0.00501; 1000 Genomes Project 30x 0.00703; 1000 Genomes Project 0.00839.

Submission:

Illumina Laboratory Services, Illumina
Classification: Benign for Junctional epidermolysis bullosa. Last evaluated: 2018-01-12. Review status: criteria provided, single submitter. Criteria: ICSL Variant Classification Criteria 13 December 2019. Collection method: clinical testing. Allele origin: germline.
Comment: This variant was observed in the ICSL laboratory as part of a predisposition screen in an ostensibly healthy population. It had not been previously curated by ICSL or reported in the Human Gene Mutation Database (HGMD: prior to June 1st, 2018), and was therefore a candidate for classification through an automated scoring system. Utilizing variant allele frequency, disease prevalence and penetrance estimates, and inheritance mode, an automated score was calculated to assess if this variant is too frequent to cause the disease. Based on the score and internal cut-off values, a variant classified as benign is not then subjected to further curation. The score for this variant resulted in a classification of benign for this disease.